The following is an entry in ClinVar:

ClinVar aggregate classification (germline): Uncertain significance (1 of 4 stars; one submission).

Conditions:
Infantile-onset ascending hereditary spastic paralysis (IAHSP). Also called: Infantile-Onset Ascending Hereditary Spastic Paralysis (IAHSP); Autosomal Recessive Juvenile Amyotrophic Lateral Sclerosis. Identifiers: Orphanet 293168, MedGen C2931441, MONDO:0011797, OMIM 607225. Disease mechanism: loss of function.

Allele frequency attached by ClinVar (database versions not stated): gnomAD exomes below 0.00001.
gnomAD v4.1: 1 of 1,613,908 alleles (0.000062%); highest among the groups gnomAD compares: Non-Finnish European, 0.000085%; no homozygotes.

Submission:

Labcorp Genetics (formerly Invitae), Labcorp
Classification: Uncertain significance for Infantile-onset ascending hereditary spastic paralysis. Last evaluated: 2018-09-26. Review status: criteria provided, single submitter. Criteria: Invitae Variant Classification Sherloc (09022015). Collection method: clinical testing. Allele origin: germline.
Comment: In summary, the available evidence is currently insufficient to determine the role of this variant in disease. Therefore, it has been classified as a Variant of Uncertain Significance. Algorithms developed to predict the effect of missense changes on protein structure and function (SIFT, PolyPhen-2, Align-GVGD) all suggest that this variant is likely to be disruptive, but these predictions have not been confirmed by published functional studies and their clinical significance is uncertain. This variant has not been reported in the literature in individuals with ALS2-related disease. This variant is not present in population databases (ExAC no frequency). This sequence change replaces histidine with tyrosine at codon 1381 of the ALS2 protein (p.His1381Tyr). The histidine residue is highly conserved and there is a moderate physicochemical difference between histidine and tyrosine.

NM_020919.4(ALS2):c.4141C>T (p.His1381Tyr)

Gene: ALS2 (alsin Rho guanine nucleotide exchange factor ALS2; minus strand). Cytogenetic location: 2q33.1.
Variant type: single nucleotide variant.
Coding change: c.4141C>T on transcript NM_020919.4 (MANE Select); coding-DNA position 4141, C replaced by T.
Protein change: p.His1381Tyr; replaces histidine 1381 with tyrosine.
Molecular consequence: missense variant.
Genome position (GRCh38, 1-based): chr2:201,710,020, G>A on the plus strand (C>T on the coding strand, the complement: ALS2 is on the minus strand). VCF-style: chr2-201710020-G-A. GRCh37 (hg19) VCF-style: chr2-202574743-G-A.
Other names: short protein forms H1381Y.
Identifiers: ClinVar variation 660166 (VCV000660166.8), dbSNP rs1574665478, ClinGen allele CA350323612.